The following is an entry in ClinVar:

NM_000744.7(CHRNA4):c.1403T>C (p.Val468Ala)

Gene: CHRNA4 (cholinergic receptor nicotinic alpha 4 subunit; minus strand). Cytogenetic location: 20q13.33.
Variant type: single nucleotide variant.
Coding change: c.1403T>C on transcript NM_000744.7 (MANE Select); coding-DNA position 1403, T replaced by C.
Protein change: p.Val468Ala; replaces valine 468 with alanine.
Molecular consequence: missense variant. On other transcripts: non-coding transcript variant (1).
Genome position (GRCh38, 1-based): chr20:63,350,008, A>G on the plus strand (T>C on the coding strand, the complement: CHRNA4 is on the minus strand). VCF-style: chr20-63350008-A-G. GRCh37 (hg19) VCF-style: chr20-61981360-A-G.
Other names: p.V468A:GTC>GCC; c.875T>C, p.Val292Ala (NM_001256573.2); short protein forms V468A, V292A.
Identifiers: ClinVar variation 205028 (VCV000205028.18), dbSNP rs766778904, ClinGen allele CA313575.

ClinVar aggregate classification (germline): Likely benign. Review status: criteria provided, multiple submitters, no conflicts (2 of 4 stars). 4 submissions from 4 submitters: Likely benign (4). Last evaluated 2026-09-01.

Conditions:
Inborn genetic diseases. Identifiers: MedGen C0950123, MeSH D030342.
Familial sleep-related hypermotor epilepsy. Also called: Autosomal Dominant Sleep-Related Hypermotor (Hyperkinetic) Epilepsy. Identifiers: Orphanet 98784, MedGen C3696898, MONDO:0000030.

Allele frequency attached by ClinVar (database versions not stated): gnomAD 0.00003; gnomAD exomes 0.00004 and 0.00009; TOPMed 0.00005; ExAC 0.00015.
gnomAD v4.1: 23 of 1,532,274 alleles (0.0015%); highest among the groups gnomAD compares: Admixed American, 0.047%; no homozygotes.

Submissions (4):

CeGaT Center for Human Genetics Tuebingen
Classification: Likely benign. Last evaluated: 2026-09-01. Review status: criteria provided, single submitter. Criteria: CeGaT Center For Human Genetics Tuebingen Variant Classification Criteria Version 2. Collection method: clinical testing. Allele origin: germline. Affected: yes. Observed: 2 variant alleles.
Comment: CHRNA4: BP4

Labcorp Genetics (formerly Invitae), Labcorp
Classification: Likely benign. Last evaluated: 2026-01-24. Review status: criteria provided, single submitter. Criteria: Invitae Variant Classification Sherloc (09022015). Collection method: clinical testing. Allele origin: germline.

Ambry Genetics
Classification: Likely benign for Inborn genetic diseases. Last evaluated: 2025-06-03. Review status: criteria provided, single submitter. Criteria: Ambry Variant Classification Scheme 2023. Collection method: clinical testing. Allele origin: germline.

GeneDx
Classification: Likely benign. Last evaluated: 2017-08-22. Review status: criteria provided, single submitter. Criteria: GeneDx Variant Classification (06012015). Collection method: clinical testing. Allele origin: germline. Affected: yes.
Comment: This variant is considered likely benign or benign based on one or more of the following criteria: it is a conservative change, it occurs at a poorly conserved position in the protein, it is predicted to be benign by multiple in silico algorithms, and/or has population frequency not consistent with disease.